The following is an entry in ClinVar:

ClinVar aggregate classification (germline): Likely benign (1 of 4 stars; one submission).

Conditions:
Familial cancer of breast. Also called: Hereditary breast cancer; BREAST CANCER, FAMILIAL; hereditary breast carcinoma. Identifiers: Orphanet 227535, MedGen C0346153, MONDO:0016419, OMIM 114480. Disease mechanism: loss of function.

Submission:

Myriad Genetics, Inc.
Classification: Likely benign for Familial cancer of breast. Last evaluated: 2024-10-08. Review status: criteria provided, single submitter. Criteria: Myriad Autosomal Dominant, Autosomal Recessive and X-Linked Classification Criteria (2023). Collection method: clinical testing. Allele origin: unknown.
Comment: This variant is considered likely benign. This variant is intronic and is not expected to impact mRNA splicing.

NM_007194.4(CHEK2):c.1543-18A>G

Gene: CHEK2 (checkpoint kinase 2; minus strand). Cytogenetic location: 22q12.1.
Variant type: single nucleotide variant.
Coding change: c.1543-18A>G on transcript NM_007194.4 (MANE Select); 18 bases into the intron before coding-DNA position 1543, A replaced by G.
Molecular consequence: intron variant.
Genome position (GRCh38, 1-based): chr22:28,688,004, T>C on the plus strand (A>G on the coding strand, the complement: CHEK2 is on the minus strand). VCF-style: chr22-28688004-T-C. GRCh37 (hg19) VCF-style: chr22-29083992-T-C.
Other names: c.880-18A>G (NM_001437942.1, NM_001257387.3); c.1342-18A>G (NM_001349956.3); c.1456-18A>G (NM_145862.3); c.1549-18A>G (NM_001438295.1); c.1636-18A>G (NM_001438293.1); c.1585-18A>G (NM_001438294.1); c.1672-18A>G (NM_001005735.3).
Identifiers: ClinVar variation 3772840 (VCV003772840.1).